The following is an entry in ClinVar:

ClinVar aggregate classification (germline): Uncertain significance (1 of 4 stars; one submission).

Conditions:
Hereditary cancer-predisposing syndrome. Also called: Tumor predisposition; Neoplastic Syndromes, Hereditary; Hereditary neoplastic syndrome; Hereditary Cancer Syndrome. Identifiers: Orphanet 140162, MedGen C0027672, MeSH D009386, MONDO:0015356.

Submission:

Ambry Genetics
Classification: Uncertain significance for Hereditary cancer-predisposing syndrome. Last evaluated: 2025-08-27. Review status: criteria provided, single submitter. Criteria: Ambry Variant Classification Scheme 2023. Collection method: clinical testing. Allele origin: germline.
Comment: The p.G525V variant (also known as c.1574G>T), located in coding exon 16 of the MUTYH gene, results from a G to T substitution at nucleotide position 1574. The glycine at codon 525 is replaced by valine, an amino acid with dissimilar properties. This amino acid position is conserved. In addition, the in silico prediction for this alteration is inconclusive. Based on the available evidence, the clinical significance of this variant remains unclear.

NM_001048174.2(MUTYH):c.1490G>T (p.Gly497Val)

Gene: MUTYH (mutY DNA glycosylase; minus strand). Cytogenetic location: 1p34.1.
Variant type: single nucleotide variant.
Coding change: c.1490G>T on transcript NM_001048174.2 (MANE Select); coding-DNA position 1490, G replaced by T.
Protein change: p.Gly497Val; replaces glycine 497 with valine.
Molecular consequence: missense variant. On other transcripts: non-coding transcript variant (7).
Genome position (GRCh38, 1-based): chr1:45,329,382, C>A on the plus strand (G>T on the coding strand, the complement: MUTYH is on the minus strand). VCF-style: chr1-45329382-C-A. GRCh37 (hg19) VCF-style: chr1-45795054-C-A.
Other names: c.1490G>T, p.Gly497Val (NM_001407070.1, NM_001407072.1, NM_001407073.1 and 6 more transcripts); c.1493G>T, p.Gly498Val (NM_001407071.1, NM_001407078.1, NM_001048172.2 and 1 more transcripts); c.1406G>T, p.Gly469Val (NM_001407075.1); c.1523G>T, p.Gly508Val (NM_001407077.1, NM_001293191.2, NM_001407069.1); c.1451G>T, p.Gly484Val (NM_001407079.1); c.1565G>T, p.Gly522Val (NM_012222.3); c.1574G>T, p.Gly525Val (NM_001128425.2); c.1535G>T, p.Gly512Val (NM_001293190.2); and 5 more; short protein forms G483V, G508V, G525V, G469V, G484V, G497V, G511V, G512V.
Identifiers: ClinVar variation 4113384 (VCV004113384.1).
Genomic context (GRCh38, chr1:45,329,382, plus strand): 5'-TTGAGGCTGTGTGCATCAGTGGAGATGTGAGACCGAAAGAAATTATCCAGGACTTGCTGG[C>A]CCATGCGGGGCTTTTTCCGACTGCACGGAGAGGACACCTGGGACCTTTTGGAACCCTGTG-3'
Protein context (NP_001041639.1, residues 487-507): SPCSRKKPRM[Gly497Val]QQVLDNFFRS